The following is an entry in ClinVar:

NM_001358921.2(COQ2):c.762+1G>A

Gene: COQ2 (coenzyme Q2, polyprenyltransferase; minus strand). Cytogenetic location: 4q21.23.
Variant type: single nucleotide variant.
Coding change: c.762+1G>A on transcript NM_001358921.2 (MANE Select); the canonical splice donor site of the intron after coding-DNA position 762, G replaced by A.
Molecular consequence: splice donor variant.
Genome position (GRCh38, 1-based): chr4:83,269,859, C>T on the plus strand (G>A on the coding strand, the complement: COQ2 is on the minus strand). VCF-style: chr4-83269859-C-T. GRCh37 (hg19) VCF-style: chr4-84191012-C-T.
Other names: c.912+1G>A (NM_015697.9).
Identifiers: ClinVar variation 2440514 (VCV002440514.4), dbSNP rs767624218, ClinGen allele CA2988513.

ClinVar aggregate classification (germline): Conflicting classifications of pathogenicity. Review status: criteria provided, conflicting classifications (1 of 4 stars). 2 submissions from 2 submitters: Likely pathogenic (1); Uncertain significance (1). Last evaluated 2025-08-10.

Conditions:
Coenzyme Q10 deficiency, primary, 1. Also called: UBIQUINONE DEFICIENCY 1; COENZYME Q DEFICIENCY 1; CoQ DEFICIENCY 1. Identifiers: Orphanet 255249, MedGen C3551954, MONDO:0011829, OMIM 607426.

Allele frequency attached by ClinVar (database versions not stated): gnomAD 0.00001.
gnomAD v4.1: 10 of 1,562,448 alleles (0.00064%); highest among the groups gnomAD compares: South Asian, 0.0074%; no homozygotes.

Submissions (2):

Labcorp Genetics (formerly Invitae), Labcorp
Classification: Likely pathogenic. Last evaluated: 2025-08-10. Review status: criteria provided, single submitter. Criteria: Invitae Variant Classification Sherloc (09022015). Collection method: clinical testing. Allele origin: germline.
Comment: This sequence change affects a donor splice site in intron 5 of the COQ2 gene. It is expected to disrupt RNA splicing. Variants that disrupt the donor or acceptor splice site typically lead to a loss of protein function (PMID: 16199547), and loss-of-function variants in COQ2 are known to be pathogenic (PMID: 16400613, 17374725). This variant is present in population databases (rs767624218, gnomAD 0.008%). This variant has not been reported in the literature in individuals affected with COQ2-related conditions. ClinVar contains an entry for this variant (Variation ID: 2440514). Algorithms developed to predict the effect of sequence changes on RNA splicing suggest that this variant may disrupt the consensus splice site. In summary, the currently available evidence indicates that the variant is pathogenic, but additional data are needed to prove that conclusively. Therefore, this variant has been classified as Likely Pathogenic.

Revvity Omics, Revvity
Classification: Uncertain significance for Coenzyme Q10 deficiency, primary, 1. Last evaluated: 2022-04-04. Review status: criteria provided, single submitter. Criteria: ACMG Guidelines, 2015. Collection method: clinical testing. Allele origin: germline.

Literature cited by the submitters: PubMed 16199547 (cited by Labcorp Genetics (formerly Invitae), Labcorp); PubMed 16400613 (cited by Labcorp Genetics (formerly Invitae), Labcorp); PubMed 17374725 (cited by Labcorp Genetics (formerly Invitae), Labcorp).